The following is an entry in ClinVar:

NM_006910.5(RBBP6):c.5335_5337del (p.Glu1779del)

Gene: RBBP6 (RB binding protein 6, ubiquitin ligase; plus strand). Cytogenetic location: 16p12.1.
Variant type: Deletion.
Coding change: c.5335_5337del on transcript NM_006910.5 (MANE Select); coding-DNA positions 5335 to 5337, 3 bases deleted (GAG; older notation c.5335_5337delGAG).
Protein change: p.Glu1779del; deletes glutamic acid 1779.
Molecular consequence: inframe deletion.
Genome position (GRCh38, 1-based): chr16:24,572,401-24,572,403, GAG deleted; deleting any 3 consecutive bases within chr16:24,572,399-24,572,403 gives the same sequence; the c. name uses the placement nearest the transcript's 3' end. VCF-style (leftmost placement, unchanged base first): chr16-24572398-AAGG-A. GRCh37 (hg19) VCF-style: chr16-24583719-AAGG-A.
Other names: c.5233_5235del, p.Glu1745del (NM_018703.4); short protein forms E1745del, E1779del.
Identifiers: ClinVar variation 4082505 (VCV004082505.2).

ClinVar aggregate classification (germline): Uncertain significance (1 of 4 stars; one submission).

Submission:

Genetic Services Laboratory, University of Chicago
Classification: Uncertain significance. Last evaluated: 2023-01-27. Review status: criteria provided, single submitter. Criteria: ACMG Guidelines, 2015. Collection method: clinical testing. Allele origin: germline. Affected: no.
Comment: DNA sequence analysis of the RBBP6 demonstrated a three base pair deletion in exon 18, c.5335_5337del. This in-frame deletion is predicted to result in the deletion of one amino acid residue, p.Glu1779del. This deletion does not appear to have been previously described in individuals with RBBP6 -related disorders. This sequence change has been described in the gnomAD database with a frequency of 0.002% in the overall population (dbSNP rs1355137460). The functional significance of this sequence change is not known at present and its contribution to this individual's disease phenotype cannot definitively be determined.